The following is an entry in ClinVar:

NM_000138.5(FBN1):c.1588+20C>T

Gene: FBN1 (fibrillin 1; minus strand). Cytogenetic location: 15q21.1.
Variant type: single nucleotide variant.
Coding change: c.1588+20C>T on transcript NM_000138.5 (MANE Select); 20 bases into the intron after coding-DNA position 1588, C replaced by T.
Molecular consequence: intron variant.
Genome position (GRCh38, 1-based): chr15:48,513,529, G>A on the plus strand (C>T on the coding strand, the complement: FBN1 is on the minus strand). VCF-style: chr15-48513529-G-A. GRCh37 (hg19) VCF-style: chr15-48805726-G-A.
Identifiers: ClinVar variation 668793 (VCV000668793.6), dbSNP rs376488308, ClinGen allele CA045083.
Genomic context (GRCh38, chr15:48,513,529, plus strand): 5'-AAACTCCATGGAACTCCTTTGAAGCCAACCCCCAGTTAGCATATATGTCCCACATTCCAC[G>A]TCAGGAGCCAGGACCATACCTCGGCATTCTGTCCGCGTGAGTGTGCTCTGATATCCAGCT-3'

ClinVar aggregate classification (germline): Likely benign. Review status: criteria provided, multiple submitters, no conflicts (2 of 4 stars). 3 submissions from 3 submitters: Likely benign (3). Last evaluated 2025-12-15.

Conditions:
Marfan syndrome (MFS). Also called: MARFAN SYNDROME, TYPE I; FBN1-Related Marfan Syndrome; Marfan syndrome type 1; Marfan's syndrome; Marfan syndrome, classic. Identifiers: Orphanet 284963, Orphanet 558, MedGen C0024796, MONDO:0007947, OMIM 154700.
Familial thoracic aortic aneurysm and aortic dissection (TAAD). Also called: Thoracic aortic aneurysms and dissections. Identifiers: Orphanet 91387, MedGen C4707243, MONDO:0019625.

Allele frequency attached by ClinVar (database versions not stated): ExAC 0.00004; gnomAD 0.00009; TOPMed 0.00012; ESP Exome Variant Server 0.00039.
gnomAD v4.1: 35 of 1,613,690 alleles (0.0022%); highest among the groups gnomAD compares: African/African-American, 0.027%; no homozygotes.

Submissions (3):

Women's Health and Genetics/Laboratory Corporation of America, LabCorp
Classification: Likely benign. Last evaluated: 2025-12-15. Review status: criteria provided, single submitter. Criteria: LabCorp Variant Classification Summary - May 2015. Collection method: clinical testing. Allele origin: germline.

Labcorp Genetics (formerly Invitae), Labcorp
Classification: Likely benign for Marfan syndrome; Familial thoracic aortic aneurysm and aortic dissection. Last evaluated: 2025-06-11. Review status: criteria provided, single submitter. Criteria: Invitae Variant Classification Sherloc (09022015). Collection method: clinical testing. Allele origin: germline.

GeneDx
Classification: Likely benign. Last evaluated: 2018-06-05. Review status: criteria provided, single submitter. Criteria: GeneDx Variant Classification (06012015). Collection method: clinical testing. Allele origin: germline. Affected: yes.
Comment: This variant is considered likely benign or benign based on one or more of the following criteria: it is a conservative change, it occurs at a poorly conserved position in the protein, it is predicted to be benign by multiple in silico algorithms, and/or has population frequency not consistent with disease.